The following is an entry in ClinVar:

ClinVar aggregate classification (germline): Pathogenic/Likely pathogenic. Review status: criteria provided, multiple submitters, no conflicts (2 of 4 stars). 3 submissions from 3 submitters: Pathogenic (2); Likely pathogenic (1). Last evaluated 2024-09-04.

Conditions:
Tumor predisposition syndrome 3 (TPDS3). Also called: Melanoma, cutaneous malignant, susceptibility to, 10; Glioma susceptibility 9; LONG TELOMERE SYNDROME, POT1-RELATED; POT1 Tumor Predisposition. Identifiers: Orphanet 618, MedGen C4014476, MONDO:0014368, OMIM 615848.
Hereditary cancer-predisposing syndrome. Also called: Hereditary Cancer Syndrome; Neoplastic Syndromes, Hereditary; Tumor predisposition; Hereditary neoplastic syndrome. Identifiers: Orphanet 140162, MedGen C0027672, MeSH D009386, MONDO:0015356.

Submissions (3):

Ambry Genetics
Classification: Pathogenic for Hereditary cancer-predisposing syndrome. Last evaluated: 2024-09-04. Review status: criteria provided, single submitter. Criteria: Ambry Variant Classification Scheme 2023. Collection method: clinical testing. Allele origin: germline.
Comment: The c.1065dupA pathogenic mutation, located in coding exon 9 of the POT1 gene, results from a duplication of A at nucleotide position 1065, causing a translational frameshift with a predicted alternate stop codon (p.A356Sfs*15). This alteration is expected to result in loss of function by premature protein truncation or nonsense-mediated mRNA decay. As such, this alteration is interpreted as a disease-causing mutation.

Labcorp Genetics (formerly Invitae), Labcorp
Classification: Pathogenic for Tumor predisposition syndrome 3. Last evaluated: 2024-08-03. Review status: criteria provided, single submitter. Criteria: Invitae Variant Classification Sherloc (09022015). Collection method: clinical testing. Allele origin: germline.
Comment: This sequence change creates a premature translational stop signal (p.Ala356Serfs*15) in the POT1 gene. It is expected to result in an absent or disrupted protein product. Loss-of-function variants in POT1 are known to be pathogenic (PMID: 32155570). This variant is present in population databases (no rsID available, gnomAD 0.0009%). This variant has not been reported in the literature in individuals affected with POT1-related conditions. ClinVar contains an entry for this variant (Variation ID: 871194). For these reasons, this variant has been classified as Pathogenic.

CeGaT Center for Human Genetics Tuebingen
Classification: Likely pathogenic. Last evaluated: 2019-10-01. Review status: criteria provided, single submitter. Criteria: CeGaT Center For Human Genetics Tuebingen Variant Classification Criteria Version 2. Collection method: clinical testing. Allele origin: germline. Affected: yes. Observed: 2 variant alleles.

Literature cited by the submitters: PubMed 32155570 (cited by Labcorp Genetics (formerly Invitae), Labcorp).

NM_015450.3(POT1):c.1065dup (p.Ala356fs)

Gene: POT1 (protection of telomeres 1; minus strand). Cytogenetic location: 7q31.33.
Variant type: Duplication.
Coding change: c.1065dup on transcript NM_015450.3 (MANE Select); coding-DNA position 1065, one base duplicated (A; older notation c.1065dupA).
Protein change: p.Ala356fs; shifts the reading frame from alanine 356.
Molecular consequence: frameshift variant. On other transcripts: non-coding transcript variant (3).
Genome position (GRCh38, 1-based): chr7:124,842,905, T duplicated on the plus strand (A on the coding strand, the reverse complement: POT1 is on the minus strand); the first of 5 consecutive T bases (chr7:124,842,905-124,842,909); duplicating any one gives the same sequence. VCF-style (leftmost placement, unchanged base first): chr7-124842904-C-CT. GRCh37 (hg19) VCF-style: chr7-124482958-C-CT.
Other names: c.672dup, p.Ala225fs (NM_001042594.2); short protein forms A225fs, A356fs.
Identifiers: ClinVar variation 871194 (VCV000871194.50), dbSNP rs1225878757, ClinGen allele CA577288723.